The following is an entry in ClinVar:

NM_017654.4(SAMD9):c.4417C>A (p.Arg1473Ser)

Gene: SAMD9 (sterile alpha motif domain containing 9; minus strand). Cytogenetic location: 7q21.2.
Variant type: single nucleotide variant.
Coding change: c.4417C>A on transcript NM_017654.4 (MANE Select); coding-DNA position 4417, C replaced by A.
Protein change: p.Arg1473Ser; replaces arginine 1473 with serine.
Molecular consequence: missense variant.
Genome position (GRCh38, 1-based): chr7:93,101,681, G>T on the plus strand (C>A on the coding strand, the complement: SAMD9 is on the minus strand). VCF-style: chr7-93101681-G-T. GRCh37 (hg19) VCF-style: chr7-92730994-G-T.
Other names: c.4417C>A, p.Arg1473Ser (NM_001193307.2); short protein forms R1473S.
Identifiers: ClinVar variation 4827028 (VCV004827028.1).

ClinVar aggregate classification (germline): Uncertain significance (1 of 4 stars; one submission).

Conditions:
Inborn genetic diseases. Identifiers: MedGen C0950123, MeSH D030342.

Submission:

Ambry Genetics
Classification: Uncertain significance for Inborn genetic diseases. Last evaluated: 2026-03-12. Review status: criteria provided, single submitter. Criteria: Ambry Variant Classification Scheme 2023. Collection method: clinical testing. Allele origin: germline.
Comment: The p.R1473S variant (also known as c.4417C>A), located in coding exon 1 of the SAMD9 gene, results from a C to A substitution at nucleotide position 4417. The arginine at codon 1473 is replaced by serine, an amino acid with dissimilar properties. This amino acid position is conserved. In addition, this alteration is predicted to be tolerated by in silico analysis. Based on the available evidence, the clinical significance of this variant remains unclear.